The following is an entry in ClinVar:

ClinVar aggregate classification (germline): Uncertain significance (1 of 4 stars; one submission).

Submission:

Labcorp Genetics (formerly Invitae), Labcorp
Classification: Uncertain significance. Last evaluated: 2022-07-26. Review status: criteria provided, single submitter. Criteria: Invitae Variant Classification Sherloc (09022015). Collection method: clinical testing. Allele origin: germline.
Comment: This variant, c.1189_1191del, results in the deletion of 1 amino acid(s) of the NKX2-1 protein (p.Tyr397del), but otherwise preserves the integrity of the reading frame. This variant is not present in population databases (gnomAD no frequency). This variant has not been reported in the literature in individuals affected with NKX2-1-related conditions. Experimental studies and prediction algorithms are not available or were not evaluated, and the functional significance of this variant is currently unknown. In summary, the available evidence is currently insufficient to determine the role of this variant in disease. Therefore, it has been classified as a Variant of Uncertain Significance.

NM_001079668.3(NKX2-1):c.1189_1191del (p.Tyr397del)

Genes: NKX2-1 (NK2 homeobox 1; minus strand), SFTA3 (surfactant associated 3; minus strand). Cytogenetic location: 14q13.3.
Variant type: Deletion.
Coding change: c.1189_1191del on transcript NM_001079668.3 (MANE Select); coding-DNA positions 1189 to 1191, 3 bases deleted (TAC; older notation c.1189_1191delTAC).
Protein change: p.Tyr397del; deletes tyrosine 397.
Molecular consequence: inframe deletion.
Genome position (GRCh38, 1-based): chr14:36,517,293-36,517,295, GTA deleted on the plus strand (TAC on the coding strand, the reverse complement: NKX2-1 is on the minus strand). VCF-style (leftmost placement, unchanged base first): chr14-36517292-CGTA-C. GRCh37 (hg19) VCF-style: chr14-36986497-CGTA-C.
Other names: c.1099_1101del, p.Tyr367del (NM_003317.4); short protein forms Y367del, Y397del.
Identifiers: ClinVar variation 2019805 (VCV002019805.4), dbSNP rs2502625188, ClinGen allele CA2580088069.